The following is an entry in ClinVar:

ClinVar aggregate classification (germline): Pathogenic (1 of 4 stars; one submission).

Conditions:
Early-infantile DEE. Also called: Ohtahara syndrome; Early infantile epileptic encephalopathy; Early infantile epileptic encephalopathy with suppression bursts. Identifiers: Orphanet 1934, MedGen C0393706, MONDO:0800491.

Submission:

Labcorp Genetics (formerly Invitae), Labcorp
Classification: Pathogenic for Early-infantile DEE. Last evaluated: 2018-10-03. Review status: criteria provided, single submitter. Criteria: Invitae Variant Classification Sherloc (09022015). Collection method: clinical testing. Allele origin: germline.
Comment: For these reasons, this variant has been classified as Pathogenic. A different variant (c.2802 G>C) giving rise to the same protein effect observed here (p.Met934Ile) has been determined to be pathogenic (PMID: 14738421, 23195492). This suggests that this variant is also likely to be causative of disease. Algorithms developed to predict the effect of missense changes on protein structure and function are either unavailable or do not agree on the potential impact of this missense change (SIFT: "Deleterious"; PolyPhen-2: "Possibly Damaging"; Align-GVGD: "Class C0"). This variant has been observed to be de novo in an individual affected with borderline severe myoclonic epilepsy in infancy (SMEB) (PMID: 14738421) and de novo in an individual affected with intractable epilepsy (PMID: 23195492). This variant is also known as p.M924I in the literature. This variant is not present in population databases (ExAC no frequency). This sequence change replaces methionine with isoleucine at codon 934 of the SCN1A protein (p.Met934Ile). The methionine residue is highly conserved and there is a small physicochemical difference between methionine and isoleucine.

Literature cited by the submitters: PubMed 14738421; PubMed 23195492.

NM_001165963.4(SCN1A):c.2802G>A (p.Met934Ile)

Gene: SCN1A (sodium voltage-gated channel alpha subunit 1; minus strand). Cytogenetic location: 2q24.3.
Variant type: single nucleotide variant.
Coding change: c.2802G>A on transcript NM_001165963.4 (MANE Select); coding-DNA position 2802, G replaced by A.
Protein change: p.Met934Ile; replaces methionine 934 with isoleucine.
Molecular consequence: missense variant. On other transcripts: non-coding transcript variant (1).
Genome position (GRCh38, 1-based): chr2:166,037,920, C>T on the plus strand (G>A on the coding strand, the complement: SCN1A is on the minus strand). VCF-style: chr2-166037920-C-T. GRCh37 (hg19) VCF-style: chr2-166894430-C-T.
Other names: c.2718G>A, p.Met906Ile (NM_001165964.3, NM_001353957.2, NM_001353958.2); c.2802G>A, p.Met934Ile (NM_001202435.3, NM_001353948.2); c.2769G>A, p.Met923Ile (NM_001353949.2, NM_001353950.2, NM_001353951.2 and 2 more transcripts); c.2766G>A, p.Met922Ile (NM_001353954.2, NM_001353955.2); c.2715G>A, p.Met905Ile (NM_001353960.2); c.360G>A, p.Met120Ile (NM_001353961.2); short protein forms M120I, M905I, M906I, M922I, M923I, M934I.
Identifiers: ClinVar variation 665440 (VCV000665440.9), dbSNP rs121918774, ClinGen allele CA349061342.